The following is an entry in ClinVar:

ClinVar aggregate classification (germline): Benign/Likely benign. Review status: criteria provided, multiple submitters, no conflicts (2 of 4 stars). 3 submissions from 3 submitters: Benign (2); Likely benign (1). Last evaluated 2025-03-04.

Conditions:
Oligodontia-cancer predisposition syndrome. Also called: TOOTH AGENESIS-COLORECTAL CANCER SYNDROME. Identifiers: Orphanet 300576, MedGen C1837750, MONDO:0012075, OMIM 608615. Disease mechanism: loss of function.

Allele frequency attached by ClinVar (database versions not stated): ESP Exome Variant Server 0.00008; TOPMed 0.00021; gnomAD 0.00023 and 0.00024; gnomAD exomes 0.00023 and 0.00024; ExAC 0.00025.
gnomAD v4.1: 364 of 1,591,526 alleles (0.023%); highest among the groups gnomAD compares: Non-Finnish European, 0.028%; no homozygotes.

Submissions (3):

Center for Genomic Medicine, Rigshospitalet, Copenhagen University Hospital
Classification: Likely benign. Last evaluated: 2025-03-04. Review status: criteria provided, single submitter. Criteria: ACMG Guidelines, 2015. Collection method: clinical testing. Allele origin: germline.

Illumina Laboratory Services, Illumina
Classification: Benign for Oligodontia-cancer predisposition syndrome. Last evaluated: 2018-01-13. Review status: criteria provided, single submitter. Criteria: ICSL Variant Classification Criteria 13 December 2019. Collection method: clinical testing. Allele origin: germline.
Comment: This variant was observed in the ICSL laboratory as part of a predisposition screen in an ostensibly healthy population. It had not been previously curated by ICSL or reported in the Human Gene Mutation Database (HGMD: prior to June 1st, 2018), and was therefore a candidate for classification through an automated scoring system. Utilizing variant allele frequency, disease prevalence and penetrance estimates, and inheritance mode, an automated score was calculated to assess if this variant is too frequent to cause the disease. Based on the score and internal cut-off values, a variant classified as benign is not then subjected to further curation. The score for this variant resulted in a classification of benign for this disease.

GeneDx
Classification: Benign. Last evaluated: 2015-03-03. Review status: criteria provided, single submitter. Criteria: GeneDx Variant Classification Process June 2021. Collection method: clinical testing. Allele origin: germline. Affected: yes.

NM_004655.4(AXIN2):c.-33A>C

Gene: AXIN2 (axin 2; minus strand). Cytogenetic location: 17q24.1.
Variant type: single nucleotide variant.
Coding change: c.-33A>C on transcript NM_004655.4 (MANE Select); 33 bases upstream of the start codon, A replaced by C.
Molecular consequence: 5 prime UTR variant.
Genome position (GRCh38, 1-based): chr17:65,558,653, T>G on the plus strand (A>C on the coding strand, the complement: AXIN2 is on the minus strand). VCF-style: chr17-65558653-T-G. GRCh37 (hg19) VCF-style: chr17-63554771-T-G.
Other names: c.-33A>C (NM_001363813.1).
Identifiers: ClinVar variation 892187 (VCV000892187.13), dbSNP rs190687283, ClinGen allele CA8719126.